The following is an entry in ClinVar:

ClinVar aggregate classification (germline): Likely benign. Review status: criteria provided, multiple submitters, no conflicts (2 of 4 stars). 3 submissions from 3 submitters: Likely benign (2). 1 of the submissions does not count toward it. Last evaluated 2025-08-10.

Conditions:
Inborn genetic diseases. Identifiers: MedGen C0950123, MeSH D030342.
ASXL3-related disorder. Also called: ASXL3-related condition. Identifiers: MedGen CN381524.

Allele frequency attached by ClinVar (database versions not stated): gnomAD 0.00003; TOPMed 0.00003; gnomAD exomes 0.00004 and 0.00006; ExAC 0.00005.
gnomAD v4.1: 58 of 1,613,482 alleles (0.0036%); highest among the groups gnomAD compares: Non-Finnish European, 0.0049%; no homozygotes.

Submissions (3):

Ambry Genetics
Classification: Likely benign for Inborn genetic diseases. Last evaluated: 2025-08-10. Review status: criteria provided, single submitter. Criteria: Ambry Variant Classification Scheme 2023. Collection method: clinical testing. Allele origin: germline.

CeGaT Center for Human Genetics Tuebingen
Classification: Likely benign. Last evaluated: 2025-04-01. Review status: criteria provided, single submitter. Criteria: CeGaT Center For Human Genetics Tuebingen Variant Classification Criteria Version 2. Collection method: clinical testing. Allele origin: germline. Affected: yes. Observed: 2 variant alleles.
Comment: ASXL3: BP4

PreventionGenetics, part of Exact Sciences
Classification: Likely benign for ASXL3-related condition. Last evaluated: 2024-06-16. Review status: no assertion criteria provided. Collection method: clinical testing. Allele origin: germline. Not counted in ClinVar's aggregate classification.
Comment: This variant is classified as likely benign based on ACMG/AMP sequence variant interpretation guidelines (Richards et al. 2015 PMID: 25741868, with internal and published modifications).

NM_030632.3(ASXL3):c.6033C>A (p.Asn2011Lys)

Gene: ASXL3 (ASXL transcriptional regulator 3; plus strand). Cytogenetic location: 18q12.1.
Variant type: single nucleotide variant.
Coding change: c.6033C>A on transcript NM_030632.3 (MANE Select); coding-DNA position 6033, C replaced by A.
Protein change: p.Asn2011Lys; replaces asparagine 2011 with lysine.
Molecular consequence: missense variant.
Genome position (GRCh38, 1-based): chr18:33,745,881, C>A. VCF-style: chr18-33745881-C-A. GRCh37 (hg19) VCF-style: chr18-31325845-C-A.
Other names: c.6033C>A (NM_030632.1, NM_030632.2); short protein forms N2011K.
Identifiers: ClinVar variation 1675702 (VCV001675702.34), dbSNP rs761118865, ClinGen allele CA8934522.